The following is an entry in ClinVar:

ClinVar aggregate classification (germline): Uncertain significance (1 of 4 stars; one submission).

Conditions:
Polycystic kidney disease 4 (PKD4). Also called: POLYCYSTIC KIDNEY DISEASE 4 WITH OR WITHOUT POLYCYSTIC LIVER DISEASE; POLYCYSTIC KIDNEY AND HEPATIC DISEASE 1; POLYCYSTIC KIDNEY DISEASE, INFANTILE, TYPE I; PKD3; Autosomal Recessive Polycystic Kidney Disease – PKHD1. Identifiers: MedGen C4540575, MONDO:0033004, OMIM 263200.

Submission:

Juno Genomics, Hangzhou Juno Genomics, Inc
Classification: Uncertain significance for Polycystic kidney disease 4. Review status: criteria provided, single submitter. Criteria: ACMG Guidelines, 2015. Collection method: clinical testing. Allele origin: germline.
Comment: Absent from controls (or at extremely low frequency if recessive) in Genome Aggregation Database.;Multiple lines of computational evidence support a deleterious effect on the gene or gene product.

NM_138694.4(PKHD1):c.5864T>C (p.Leu1955Pro)

Gene: PKHD1 (PKHD1 ciliary IPT domain containing fibrocystin/polyductin; minus strand). Cytogenetic location: 6p12.2.
Variant type: single nucleotide variant.
Coding change: c.5864T>C on transcript NM_138694.4 (MANE Select); coding-DNA position 5864, T replaced by C.
Protein change: p.Leu1955Pro; replaces leucine 1955 with proline.
Molecular consequence: missense variant.
Genome position (GRCh38, 1-based): chr6:51,959,914, A>G on the plus strand (T>C on the coding strand, the complement: PKHD1 is on the minus strand). VCF-style: chr6-51959914-A-G. GRCh37 (hg19) VCF-style: chr6-51824712-A-G.
Other names: c.5864T>C, p.Leu1955Pro (NM_170724.3); short protein forms L1955P.
Identifiers: ClinVar variation 5007080 (VCV005007080.2).
Genomic context (GRCh38, chr6:51,959,914, plus strand): 5'-TACAAACTTCACACACCTTTAATGTGCAGTAAGTTGAGGATGCTTGTGTTAGTGTCCAGC[A>G]GAAGCAATTGGCCATTCTCCACTGTGACGTTGTCGCCATCTTGTGGCAGCCTTTCAGGAA-3'
Protein context (NP_619639.3, residues 1945-1965): NVTVENGQLL[Leu1955Pro]LDTNTSILNL